The following is an entry in ClinVar:

NM_001039374.5(CCDC183):c.271_272insAAGA (p.Val91fs)

Gene: CCDC183 (coiled-coil domain containing 183; plus strand). Cytogenetic location: 9q34.3.
Variant type: Insertion.
Coding change: c.271_272insAAGA on transcript NM_001039374.5 (MANE Select); coding-DNA positions 271 to 272, AAGA inserted.
Protein change: p.Val91fs; shifts the reading frame from valine 91.
Molecular consequence: frameshift variant.
Genome position: GRCh38 VCF-style: chr9-136800002-G-GAAGA. GRCh37 (hg19) VCF-style: chr9-139694454-G-GAAGA.
Other names: short protein forms V91fs.
Identifiers: ClinVar variation 4083521 (VCV004083521.8).

ClinVar aggregate classification (germline): Likely benign (1 of 4 stars; one submission).

Submission:

CeGaT Center for Human Genetics Tuebingen
Classification: Likely benign. Last evaluated: 2026-08-01. Review status: criteria provided, single submitter. Criteria: CeGaT Center For Human Genetics Tuebingen Variant Classification Criteria Version 2. Collection method: clinical testing. Allele origin: germline. Affected: yes. Observed: 6 variant alleles.
Comment: CCDC183: BS2